The following is an entry in ClinVar:

ClinVar aggregate classification (germline): Benign/Likely benign. Review status: criteria provided, multiple submitters, no conflicts (2 of 4 stars). 9 submissions from 9 submitters: Benign (2); Likely benign (7). Last evaluated 2026-01-27.

Conditions:
MYH6-related disorder. Also called: MYH6-related condition; MYH6-Related Disorders.
Cardiovascular phenotype. Identifiers: MedGen CN230736.
Hypertrophic cardiomyopathy 14. Identifiers: MedGen C2750467, MONDO:0013197, OMIM 613251.

Allele frequency attached by ClinVar (database versions not stated): ESP Exome Variant Server 0.00177; gnomAD 0.00198 and 0.00208; TOPMed 0.00218; 1000 Genomes Project 30x 0.00219; 1000 Genomes Project 0.00220.
gnomAD v4.1: 601 of 1,614,060 alleles (0.037%); highest among the groups gnomAD compares: African/African-American, 0.68%; 2 homozygotes.

Submissions (9):

Labcorp Genetics (formerly Invitae), Labcorp
Classification: Likely benign for Hypertrophic cardiomyopathy 14. Last evaluated: 2026-01-27. Review status: criteria provided, single submitter. Criteria: Invitae Variant Classification Sherloc (09022015). Collection method: clinical testing. Allele origin: germline.

PreventionGenetics, part of Exact Sciences
Classification: Benign for MYH6-related condition. Last evaluated: 2025-02-10. Review status: criteria provided, single submitter. Criteria: ACMG Guidelines, 2015. Collection method: clinical testing. Allele origin: germline.
Comment: This variant is classified as benign based on ACMG/AMP sequence variant interpretation guidelines (Richards et al. 2015 PMID: 25741868, with internal and published modifications).

Blueprint Genetics
Classification: Likely benign. Last evaluated: 2024-08-12. Review status: criteria provided, single submitter. Criteria: ACMG Guidelines, 2015. Collection method: clinical testing. Allele origin: germline.

CeGaT Center for Human Genetics Tuebingen
Classification: Likely benign. Last evaluated: 2023-11-01. Review status: criteria provided, single submitter. Criteria: CeGaT Center For Human Genetics Tuebingen Variant Classification Criteria Version 2. Collection method: clinical testing. Allele origin: germline. Affected: yes. Observed: 1 variant allele.
Comment: MYH6: BP4, BP7

Ambry Genetics
Classification: Likely benign for Cardiovascular phenotype. Last evaluated: 2023-10-13. Review status: criteria provided, single submitter. Criteria: Ambry Variant Classification Scheme 2023. Collection method: clinical testing. Allele origin: germline.

GeneDx
Classification: Likely benign. Last evaluated: 2021-06-21. Review status: criteria provided, single submitter. Criteria: GeneDx Variant Classification Process June 2021. Collection method: clinical testing. Allele origin: germline. Affected: yes.
Comment: This variant is associated with the following publications: (PMID: 24503780)

Women's Health and Genetics/Laboratory Corporation of America, LabCorp
Classification: Benign. Last evaluated: 2019-12-14. Review status: criteria provided, single submitter. Criteria: LabCorp Variant Classification Summary - May 2015. Collection method: clinical testing. Allele origin: germline.

Laboratory for Molecular Medicine, Mass General Brigham Personalized Medicine
Classification: Likely benign. Last evaluated: 2015-10-30. Review status: criteria provided, single submitter. Criteria: LMM Criteria. Collection method: clinical testing. Allele origin: germline. Observed: 4 variant alleles.
Comment: p.Ser1467Ser in exon 31 of MYH6: This variant is not expected to have clinical s ignificance because it does not alter an amino acid residue and is not located w ithin the splice consensus sequence. It has been identified 0.8% (79/10234) of A frican chromosomes, including 1 homozygote by the Exome Aggregation Consortium ( ExAC; dbSNP rs150081280).

Breakthrough Genomics
Classification: Likely benign. Review status: criteria provided, single submitter. Criteria: ACMG Guidelines, 2015. Collection method: not provided. Allele origin: germline. Inheritance: Autosomal dominant inheritance. Affected: yes.

NM_002471.4(MYH6):c.4401T>G (p.Ser1467=)

Gene: MYH6 (myosin heavy chain 6; minus strand). Cytogenetic location: 14q11.2.
Variant type: single nucleotide variant.
Coding change: c.4401T>G on transcript NM_002471.4 (MANE Select); coding-DNA position 4401, T replaced by G.
Protein change: p.Ser1467=; no amino-acid change (serine 1467 retained).
Molecular consequence: synonymous variant.
Genome position (GRCh38, 1-based): chr14:23,387,882, A>C on the plus strand (T>G on the coding strand, the complement: MYH6 is on the minus strand). VCF-style: chr14-23387882-A-C. GRCh37 (hg19) VCF-style: chr14-23857091-A-C.
Identifiers: ClinVar variation 36629 (VCV000036629.46), dbSNP rs150081280, ClinGen allele CA134405.